The following is an entry in ClinVar:

ClinVar aggregate classification (germline): Uncertain significance (1 of 4 stars; one submission).

Conditions:
Tyrosinemia type II (TYRSN2). Also called: KERATOSIS PALMOPLANTARIS WITH CORNEAL DYSTROPHY; OREGON TYPE TYROSINEMIA; TAT DEFICIENCY; TYROSINE AMINOTRANSFERASE DEFICIENCY; TYROSINE TRANSAMINASE DEFICIENCY. Identifiers: Orphanet 28378, MedGen C0268487, MONDO:0010160, OMIM 276600.

Allele frequency attached by ClinVar (database versions not stated): gnomAD exomes below 0.00001; gnomAD 0.00001.
gnomAD v4.1: 2 of 1,614,098 alleles (0.00012%); highest among the groups gnomAD compares: Non-Finnish European, 0.00017%; no homozygotes.

Submission:

Labcorp Genetics (formerly Invitae), Labcorp
Classification: Uncertain significance for Tyrosinemia type II. Last evaluated: 2021-08-27. Review status: criteria provided, single submitter. Criteria: Invitae Variant Classification Sherloc (09022015). Collection method: clinical testing. Allele origin: germline.
Comment: This sequence change replaces lysine with arginine at codon 311 of the TAT protein (p.Lys311Arg). The lysine residue is moderately conserved and there is a small physicochemical difference between lysine and arginine. This variant is not present in population databases (ExAC no frequency). This variant has not been reported in the literature in individuals affected with TAT-related conditions. Algorithms developed to predict the effect of missense changes on protein structure and function (SIFT, PolyPhen-2, Align-GVGD) all suggest that this variant is likely to be tolerated. Algorithms developed to predict the effect of sequence changes on RNA splicing suggest that this variant may create or strengthen a splice site. In summary, the available evidence is currently insufficient to determine the role of this variant in disease. Therefore, it has been classified as a Variant of Uncertain Significance.

NM_000353.3(TAT):c.932A>G (p.Lys311Arg)

Genes: TAT (tyrosine aminotransferase; minus strand), TAT-AS1 (TAT antisense RNA 1; plus strand). Cytogenetic location: 16q22.2.
Variant type: single nucleotide variant.
Coding change: c.932A>G on transcript NM_000353.3 (MANE Select); coding-DNA position 932, A replaced by G.
Protein change: p.Lys311Arg; replaces lysine 311 with arginine.
Molecular consequence: missense variant.
Genome position (GRCh38, 1-based): chr16:71,570,378, T>C on the plus strand (A>G on the coding strand, the complement: TAT is on the minus strand). VCF-style: chr16-71570378-T-C. GRCh37 (hg19) VCF-style: chr16-71604281-T-C.
Other names: short protein forms K311R.
Identifiers: ClinVar variation 1420049 (VCV001420049.5), dbSNP rs2044193411, ClinGen allele CA396650968.